The following is an entry in ClinVar:

NM_017950.4(CCDC40):c.994T>C (p.Tyr332His)

Gene: CCDC40 (coiled-coil domain 40 molecular ruler complex subunit; plus strand). Cytogenetic location: 17q25.3.
Variant type: single nucleotide variant.
Coding change: c.994T>C on transcript NM_017950.4 (MANE Select); coding-DNA position 994, T replaced by C.
Protein change: p.Tyr332His; replaces tyrosine 332 with histidine.
Molecular consequence: missense variant.
Genome position (GRCh38, 1-based): chr17:80,050,118, T>C. VCF-style: chr17-80050118-T-C. GRCh37 (hg19) VCF-style: chr17-78023917-T-C.
Other names: c.994T>C, p.Tyr332His (NM_001243342.2, NM_001330508.2); short protein forms Y332H.
Identifiers: ClinVar variation 892090 (VCV000892090.6), dbSNP rs371604414, ClinGen allele CA8813646.
Genomic context (GRCh38, chr17:80,050,118, plus strand): 5'-GTCCAGGTTGTGGCTACCAAGCAGAGCCGAGCCCAGCGGCAGGAGCTGGGGGTGAATCTC[T>C]ATGAGGTGCAGCAGCACCTGGTACACCTGCAGAAGCTGCTGGAGAAGAGTCACGACCGCC-3'
Protein context (NP_060420.2, residues 322-342): AQRQELGVNL[Tyr332His]EVQQHLVHLQ

ClinVar aggregate classification (germline): Uncertain significance. Review status: criteria provided, multiple submitters, no conflicts (2 of 4 stars). 2 submissions from 2 submitters: Uncertain significance (2). Last evaluated 2025-12-22.

Conditions:
Primary ciliary dyskinesia. Also called: Ciliary dyskinesia. Identifiers: Orphanet 244, MedGen C0008780, MONDO:0016575, HP:0012265.
Primary ciliary dyskinesia 15. Also called: CILIARY DYSKINESIA, PRIMARY, 15, WITH OR WITHOUT SITUS INVERSUS. Identifiers: Orphanet 244, MedGen C3151137, MONDO:0013435, OMIM 613808.

Allele frequency attached by ClinVar (database versions not stated): gnomAD exomes 0.00003 and 0.00006; ExAC 0.00005; gnomAD 0.00005; ESP Exome Variant Server 0.00008; TOPMed 0.00008.
gnomAD v4.1: 58 of 1,613,450 alleles (0.0036%); highest among the groups gnomAD compares: Non-Finnish European, 0.0012%; no homozygotes.

Submissions (2):

Labcorp Genetics (formerly Invitae), Labcorp
Classification: Uncertain significance for Primary ciliary dyskinesia. Last evaluated: 2025-12-22. Review status: criteria provided, single submitter. Criteria: Invitae Variant Classification Sherloc (09022015). Collection method: clinical testing. Allele origin: germline.
Comment: This sequence change replaces tyrosine, which is neutral and polar, with histidine, which is basic and polar, at codon 332 of the CCDC40 protein (p.Tyr332His). This variant is present in population databases (rs371604414, gnomAD 0.1%). This variant has not been reported in the literature in individuals affected with CCDC40-related conditions. ClinVar contains an entry for this variant (Variation ID: 892090). Invitae Evidence Modeling of protein sequence and biophysical properties (such as structural, functional, and spatial information, amino acid conservation, physicochemical variation, residue mobility, and thermodynamic stability) indicates that this missense variant is expected to disrupt CCDC40 protein function with a positive predictive value of 80%. In summary, the available evidence is currently insufficient to determine the role of this variant in disease. Therefore, it has been classified as a Variant of Uncertain Significance.

Illumina Laboratory Services, Illumina
Classification: Uncertain significance for Primary ciliary dyskinesia 15. Last evaluated: 2018-01-13. Review status: criteria provided, single submitter. Criteria: ICSL Variant Classification Criteria 13 December 2019. Collection method: clinical testing. Allele origin: germline.